The following is an entry in ClinVar:

NM_001349253.2(SCN11A):c.1927A>G (p.Ile643Val)

Gene: SCN11A (sodium voltage-gated channel alpha subunit 11; minus strand). Cytogenetic location: 3p22.2.
Variant type: single nucleotide variant.
Coding change: c.1927A>G on transcript NM_001349253.2 (MANE Select); coding-DNA position 1927, A replaced by G.
Protein change: p.Ile643Val; replaces isoleucine 643 with valine.
Molecular consequence: missense variant.
Genome position (GRCh38, 1-based): chr3:38,899,989, T>C on the plus strand (A>G on the coding strand, the complement: SCN11A is on the minus strand). VCF-style: chr3-38899989-T-C. GRCh37 (hg19) VCF-style: chr3-38941480-T-C.
Other names: p.Ile643Val; c.1927A>G, p.Ile643Val (NM_014139.3); short protein forms I643V.
Identifiers: ClinVar variation 474698 (VCV000474698.15), dbSNP rs200800847, ClinGen allele CA2322169.
Genomic context (GRCh38, chr3:38,899,989, plus strand): 5'-TTTGAAGTACACAGTTCATTACATCTGCAAAACTCAGAAGAGCAACAATGCTGTCAAAAA[T>C]GTTCCAGCCTCGGCGAAAGTAGTGGTAGGGATCGAGCGCAATGATTTTTAGGCACATTTC-3'
Protein context (NP_001336182.1, residues 633-653): PYHYFRRGWN[Ile643Val]FDSIVALLSF

ClinVar aggregate classification (germline): Uncertain significance. Review status: criteria provided, multiple submitters, no conflicts (2 of 4 stars). 4 submissions from 4 submitters: Uncertain significance (4). Last evaluated 2026-04-13.

Conditions:
SCN11A-related disorder. Also called: SCN11A-related condition.
Inborn genetic diseases. Identifiers: MedGen C0950123, MeSH D030342.
Hereditary sensory and autonomic neuropathy type 7. Also called: HSAN VII; Neuropathy, hereditary sensory and autonomic, type VII. Identifiers: Orphanet 391397, MedGen C3809882, MONDO:0014244, OMIM 615548.
Familial episodic pain syndrome with predominantly lower limb involvement. Also called: Episodic pain syndrome, familial, 3. Identifiers: Orphanet 391384, Orphanet 391392, MedGen C3809899, MONDO:0014247, OMIM 615552.

Allele frequency attached by ClinVar (database versions not stated): gnomAD 0.00005 and 0.00006; TOPMed 0.00005; gnomAD exomes 0.00009 and 0.00003; ExAC 0.00004.
gnomAD v4.1: 133 of 1,614,010 alleles (0.0082%); highest among the groups gnomAD compares: Non-Finnish European, 0.011%; no homozygotes.

Submissions (4):

PreventionGenetics, part of Exact Sciences
Classification: Uncertain significance for SCN11A-related condition. Last evaluated: 2026-04-13. Review status: criteria provided, single submitter. Criteria: ACMG Guidelines, 2015. Collection method: clinical testing. Allele origin: germline.
Comment: The SCN11A c.1927A>G variant is predicted to result in the amino acid substitution p.Ile643Val. This variant has been reported in an indivudal with pure small fiber neuropathy (Supplementary Table 3, Eijkenboom et al. 2018. PubMed ID: 30554136). This variant is reported in 0.0062% of alleles in individuals of European (Non-Finnish) descent in gnomAD. At this time, the clinical significance of this variant is uncertain due to the absence of conclusive functional and genetic evidence.

Labcorp Genetics (formerly Invitae), Labcorp
Classification: Uncertain significance for Familial episodic pain syndrome with predominantly lower limb involvement; Hereditary sensory and autonomic neuropathy type 7. Last evaluated: 2026-01-06. Review status: criteria provided, single submitter. Criteria: Invitae Variant Classification Sherloc (09022015). Collection method: clinical testing. Allele origin: germline.
Comment: This sequence change replaces isoleucine, which is neutral and non-polar, with valine, which is neutral and non-polar, at codon 643 of the SCN11A protein (p.Ile643Val). The frequency data for this variant in the population databases is considered unreliable, as metrics indicate poor data quality at this position in the gnomAD database. This missense change has been observed in individual(s) with clinical features of SCN11A-related conditions (PMID: 30554136). ClinVar contains an entry for this variant (Variation ID: 474698). Invitae Evidence Modeling of protein sequence and biophysical properties (such as structural, functional, and spatial information, amino acid conservation, physicochemical variation, residue mobility, and thermodynamic stability) indicates that this missense variant is not expected to disrupt SCN11A protein function with a negative predictive value of 80%. In summary, the available evidence is currently insufficient to determine the role of this variant in disease. Therefore, it has been classified as a Variant of Uncertain Significance.

Ambry Genetics
Classification: Uncertain significance for Inborn genetic diseases. Last evaluated: 2023-03-24. Review status: criteria provided, single submitter. Criteria: Ambry Variant Classification Scheme 2023. Collection method: clinical testing. Allele origin: germline.
Comment: The c.1927A>G (p.I643V) alteration is located in coding exon 13 of the SCN11A gene. This alteration results from a A to G substitution at nucleotide position 1927, causing the isoleucine (I) at amino acid position 643 to be replaced by a valine (V). Based on data from the Genome Aggregation Databas (gnomAD), the SCN11A c.1927A>G alteration was observed in 0.003% (9/282,688) of total alleles studied. The p.I643 amino acid is poorly conserved in available vertebrate species, and several species have valine as the reference amino acid. The p.I643V alteration is predicted to be benign by Polyphen and tolerated by SIFT in silico analyses. Based on insufficient or conflicting evidence, the clinical significance of this alteration remains unclear.

Mayo Clinic Laboratories, Mayo Clinic
Classification: Uncertain significance. Last evaluated: 2021-06-08. Review status: criteria provided, single submitter. Criteria: ACMG Guidelines, 2015. Collection method: clinical testing. Allele origin: germline.

Literature cited by the submitters: PubMed 30554136 (cited by Labcorp Genetics (formerly Invitae), Labcorp and Ambry Genetics).